The following is an entry in ClinVar:

ClinVar aggregate classification (germline): Uncertain significance (1 of 4 stars; one submission).

Allele frequency attached by ClinVar (database versions not stated): gnomAD exomes 0.00001; ExAC 0.00001.
gnomAD v4.1: 5 of 1,613,180 alleles (0.00031%); highest among the groups gnomAD compares: Middle Eastern, 0.033%; no homozygotes.

Submission:

Labcorp Genetics (formerly Invitae), Labcorp
Classification: Uncertain significance. Last evaluated: 2021-11-07. Review status: criteria provided, single submitter. Criteria: Invitae Variant Classification Sherloc (09022015). Collection method: clinical testing. Allele origin: germline.
Comment: This variant is present in population databases (rs751631931, gnomAD 0.002%). This variant has not been reported in the literature in individuals affected with TTLL5-related conditions. Algorithms developed to predict the effect of missense changes on protein structure and function are either unavailable or do not agree on the potential impact of this missense change (SIFT: "Deleterious"; PolyPhen-2: "Benign"; Align-GVGD: "Class C25"). In summary, the available evidence is currently insufficient to determine the role of this variant in disease. Therefore, it has been classified as a Variant of Uncertain Significance. This sequence change replaces valine, which is neutral and non-polar, with alanine, which is neutral and non-polar, at codon 280 of the TTLL5 protein (p.Val280Ala).

NM_015072.5(TTLL5):c.839T>C (p.Val280Ala)

Gene: TTLL5 (tubulin tyrosine ligase like 5; plus strand). Cytogenetic location: 14q24.3.
Variant type: single nucleotide variant.
Coding change: c.839T>C on transcript NM_015072.5 (MANE Select); coding-DNA position 839, T replaced by C.
Protein change: p.Val280Ala; replaces valine 280 with alanine.
Molecular consequence: missense variant.
Genome position (GRCh38, 1-based): chr14:75,717,959, T>C. VCF-style: chr14-75717959-T-C. GRCh37 (hg19) VCF-style: chr14-76184302-T-C.
Other names: short protein forms V280A.
Identifiers: ClinVar variation 1413176 (VCV001413176.4), dbSNP rs751631931, ClinGen allele CA7279118.